The following is an entry in ClinVar:

NM_001377.3(DYNC2H1):c.7632del (p.Glu2544fs)

Gene: DYNC2H1 (dynein cytoplasmic 2 heavy chain 1; plus strand). Cytogenetic location: 11q22.3.
Variant type: Deletion.
Coding change: c.7632del on transcript NM_001377.3 (MANE Select); coding-DNA position 7632, one base deleted (A; older notation c.7632delA).
Protein change: p.Glu2544fs; shifts the reading frame from glutamic acid 2544.
Molecular consequence: frameshift variant.
Genome position (GRCh38, 1-based): chr11:103,192,188, A deleted; the last of 2 consecutive A bases (chr11:103,192,187-103,192,188); deleting either gives the same sequence. VCF-style (leftmost placement, unchanged base first): chr11-103192186-GA-G. GRCh37 (hg19) VCF-style: chr11-103062915-GA-G.
Other names: c.7632del, p.Glu2544fs (NM_001080463.2); short protein forms E2544fs.
Identifiers: ClinVar variation 5016113 (VCV005016113.1).

ClinVar aggregate classification (germline): Pathogenic (1 of 4 stars; one submission).

Conditions:
Asphyxiating thoracic dystrophy 3. Also called: SHORT-RIB THORACIC DYSPLASIA 3 WITH OR WITHOUT POLYDACTYLY; POLYDACTYLY WITH NEONATAL CHONDRODYSTROPHY, TYPE I; SHORT-RIB THORACIC DYSPLASIA 3/6 WITH POLYDACTYLY, DIGENIC; Short rib polydactyly syndrome 2B; Saldino-Noonan Syndrome. Identifiers: Orphanet 474, Orphanet 93269, Orphanet 93270, Orphanet 93271, MedGen C0036069, MONDO:0013127, OMIM 613091.

Submission:

Myriad Genetics, Inc.
Classification: Pathogenic for Asphyxiating thoracic dystrophy 3. Last evaluated: 2026-07-09. Review status: criteria provided, single submitter. Criteria: Myriad Autosomal Dominant, Autosomal Recessive and X-Linked Classification Criteria (2023). Collection method: clinical testing. Allele origin: unknown.
Comment: NM_001377.2(DYNC2H1):c.7632delA(E2544Dfs*9) is expected to be pathogenic in the context of DYNC2H1-related disorders. This variant is predicted to lead to an abnormal or absent protein product due to the creation of a premature termination codon in DYNC2H1, a gene where loss-of-function variants are known to be pathogenic. Please note: this variant was assessed in the context of healthy population screening.